The following is an entry in ClinVar:

ClinVar aggregate classification (germline): Uncertain significance (1 of 4 stars; one submission).

Conditions:
Inborn genetic diseases. Identifiers: MedGen C0950123, MeSH D030342.

Allele frequency attached by ClinVar (database versions not stated): gnomAD exomes below 0.00001; TOPMed below 0.00001.
gnomAD v4.1: 1 of 1,613,836 alleles (0.000062%); highest among the groups gnomAD compares: Non-Finnish European, 0.000085%; no homozygotes.

Submission:

Ambry Genetics
Classification: Uncertain significance for Inborn genetic diseases. Last evaluated: 2021-04-26. Review status: criteria provided, single submitter. Criteria: Ambry Variant Classification Scheme 2023. Collection method: clinical testing. Allele origin: germline.
Comment: The c.2188C>G (p.Q730E) alteration is located in exon 5 (coding exon 5) of the TNRC6B gene. This alteration results from a C to G substitution at nucleotide position 2188, causing the glutamine (Q) at amino acid position 730 to be replaced by a glutamic acid (E). Based on data from the Genome Aggregation Database (gnomAD), the TNRC6B c.2188C>G alteration was not observed, with coverage at this position. This amino acid position is not well conserved in available vertebrate species. The p.Q730E alteration is predicted to be tolerated by in silico analysis. Based on insufficient or conflicting evidence, the clinical significance of this alteration remains unclear.

NM_001162501.2(TNRC6B):c.2188C>G (p.Gln730Glu)

Gene: TNRC6B (trinucleotide repeat containing adaptor 6B; plus strand). Cytogenetic location: 22q13.1.
Variant type: single nucleotide variant.
Coding change: c.2188C>G on transcript NM_001162501.2 (MANE Select); coding-DNA position 2188, C replaced by G.
Protein change: p.Gln730Glu; replaces glutamine 730 with glutamic acid.
Molecular consequence: missense variant. On other transcripts: intron variant (1).
Genome position (GRCh38, 1-based): chr22:40,266,418, C>G. VCF-style: chr22-40266418-C-G. GRCh37 (hg19) VCF-style: chr22-40662422-C-G.
Other names: c.2188C>G, p.Gln730Glu (NM_015088.3); c.566-3704C>G (NM_001024843.2); short protein forms Q730E.
Identifiers: ClinVar variation 2230323 (VCV002230323.2), dbSNP rs2070480837, ClinGen allele CA411634602.